The following is an entry in ClinVar:

ClinVar aggregate classification (germline): Uncertain significance (1 of 4 stars; one submission).

Conditions:
Cardiovascular phenotype. Identifiers: MedGen CN230736.

Submission:

Ambry Genetics
Classification: Uncertain significance for Cardiovascular phenotype. Last evaluated: 2025-08-28. Review status: criteria provided, single submitter. Criteria: Ambry Variant Classification Scheme 2023. Collection method: clinical testing. Allele origin: germline.
Comment: The p.P111T variant (also known as c.331C>A), located in coding exon 2 of the LMF1 gene, results from a C to A substitution at nucleotide position 331. The proline at codon 111 is replaced by threonine, an amino acid with highly similar properties. This amino acid position is conserved. In addition, this alteration is predicted to be deleterious by in silico analysis. Based on the available evidence, the clinical significance of this variant remains unclear.

NM_022773.4(LMF1):c.331C>A (p.Pro111Thr)

Gene: LMF1 (lipase maturation factor 1; minus strand). Cytogenetic location: 16p13.3.
Variant type: single nucleotide variant.
Coding change: c.331C>A on transcript NM_022773.4 (MANE Select); coding-DNA position 331, C replaced by A.
Protein change: p.Pro111Thr; replaces proline 111 with threonine.
Molecular consequence: missense variant. On other transcripts: 5 prime UTR variant (3), non-coding transcript variant (1).
Genome position (GRCh38, 1-based): chr16:954,529, G>T on the plus strand (C>A on the coding strand, the complement: LMF1 is on the minus strand). VCF-style: chr16-954529-G-T. GRCh37 (hg19) VCF-style: chr16-1004529-G-T.
Other names: c.-473C>A (NM_001352017.2); c.-224C>A (NM_001352018.2); c.4C>A, p.Pro2Thr (NM_001352019.2); c.331C>A, p.Pro111Thr (NM_001352020.1); c.-375C>A (NM_001352021.2); short protein forms P111T, P2T.
Identifiers: ClinVar variation 4098534 (VCV004098534.1).